The following is an entry in ClinVar:

ClinVar aggregate classification (germline): Uncertain significance (1 of 4 stars; one submission).

Allele frequency attached by ClinVar (database versions not stated): gnomAD exomes below 0.00001; TOPMed below 0.00001; gnomAD 0.00001; ExAC 0.00002.
gnomAD v4.1: 3 of 1,613,632 alleles (0.00019%); highest among the groups gnomAD compares: Non-Finnish European, 0.00025%; no homozygotes.

Submission:

Labcorp Genetics (formerly Invitae), Labcorp
Classification: Uncertain significance. Last evaluated: 2023-11-12. Review status: criteria provided, single submitter. Criteria: Invitae Variant Classification Sherloc (09022015). Collection method: clinical testing. Allele origin: germline.
Comment: This sequence change replaces leucine, which is neutral and non-polar, with valine, which is neutral and non-polar, at codon 405 of the IL6ST protein (p.Leu405Val). This variant is present in population databases (rs781572746, gnomAD 0.002%). This variant has not been reported in the literature in individuals affected with IL6ST-related conditions. Algorithms developed to predict the effect of missense changes on protein structure and function output the following: SIFT: "Not Available"; PolyPhen-2: "Benign"; Align-GVGD: "Not Available". The valine amino acid residue is found in multiple mammalian species, which suggests that this missense change does not adversely affect protein function. In summary, the available evidence is currently insufficient to determine the role of this variant in disease. Therefore, it has been classified as a Variant of Uncertain Significance.

NM_002184.4(IL6ST):c.1213C>G (p.Leu405Val)

Gene: IL6ST (interleukin 6 cytokine family signal transducer; minus strand). Cytogenetic location: 5q11.2.
Variant type: single nucleotide variant.
Coding change: c.1213C>G on transcript NM_002184.4 (MANE Select); coding-DNA position 1213, C replaced by G.
Protein change: p.Leu405Val; replaces leucine 405 with valine.
Molecular consequence: missense variant. On other transcripts: 3 prime UTR variant (1), non-coding transcript variant (2).
Genome position (GRCh38, 1-based): chr5:55,956,079, G>C on the plus strand (C>G on the coding strand, the complement: IL6ST is on the minus strand). VCF-style: chr5-55956079-G-C. GRCh37 (hg19) VCF-style: chr5-55251907-G-C.
Other names: c.1213C>G, p.Leu405Val (NM_001190981.2, NM_001364275.2); c.1003C>G, p.Leu335Val (NM_001364276.2); c.346C>G, p.Leu116Val (NM_001364277.2); c.310C>G, p.Leu104Val (NM_001364278.2); c.217C>G, p.Leu73Val (NM_001364279.2); c.*140C>G (NM_175767.3); short protein forms L405V, L116V, L335V, L73V, L104V.
Identifiers: ClinVar variation 2880625 (VCV002880625.3), dbSNP rs781572746, ClinGen allele CA3271474.